The following is an entry in ClinVar:

ClinVar aggregate classification (germline): Uncertain significance (1 of 4 stars; one submission).

Conditions:
Adenylosuccinate lyase deficiency (ADSLD). Also called: ADSL DEFICIENCY. Identifiers: Orphanet 46, MedGen C0268126, MONDO:0007068, OMIM 103050.

gnomAD v4.1: 1 of 1,606,252 alleles (0.000062%); highest among the groups gnomAD compares: Admixed American, 0.0017%; no homozygotes.

Submission:

Labcorp Genetics (formerly Invitae), Labcorp
Classification: Uncertain significance for Adenylosuccinate lyase deficiency. Last evaluated: 2022-11-22. Review status: criteria provided, single submitter. Criteria: Invitae Variant Classification Sherloc (09022015). Collection method: clinical testing. Allele origin: germline.
Comment: In summary, the available evidence is currently insufficient to determine the role of this variant in disease. Therefore, it has been classified as a Variant of Uncertain Significance. Advanced modeling of protein sequence and biophysical properties (such as structural, functional, and spatial information, amino acid conservation, physicochemical variation, residue mobility, and thermodynamic stability) performed at Invitae indicates that this missense variant is not expected to disrupt ADSL protein function. ClinVar contains an entry for this variant (Variation ID: 1506710). This variant has not been reported in the literature in individuals affected with ADSL-related conditions. This variant is present in population databases (no rsID available, gnomAD 0.003%). This sequence change replaces proline, which is neutral and non-polar, with alanine, which is neutral and non-polar, at codon 10 of the ADSL protein (p.Pro10Ala).

NM_000026.4(ADSL):c.28C>G (p.Pro10Ala)

Gene: ADSL (adenylosuccinate lyase; plus strand). Cytogenetic location: 22q13.1.
Variant type: single nucleotide variant.
Coding change: c.28C>G on transcript NM_000026.4 (MANE Select); coding-DNA position 28, C replaced by G.
Protein change: p.Pro10Ala; replaces proline 10 with alanine.
Molecular consequence: missense variant. On other transcripts: 5 prime UTR variant (1), non-coding transcript variant (1).
Genome position (GRCh38, 1-based): chr22:40,346,586, C>G. VCF-style: chr22-40346586-C-G. GRCh37 (hg19) VCF-style: chr22-40742590-C-G.
Other names: c.28C>G, p.Pro10Ala (NM_001123378.3, NM_001363840.3); c.-110C>G (NM_001317923.2); short protein forms P10A.
Identifiers: ClinVar variation 1506710 (VCV001506710.6), dbSNP rs768340455, ClinGen allele CA411632609.